The following is an entry in ClinVar:

NM_014974.3(DIP2C):c.525_533dup (p.Ser178_Ser179insThrSerSer)

Gene: DIP2C (disco interacting protein 2 homolog C; minus strand). Cytogenetic location: 10p15.3.
Variant type: Duplication.
Coding change: c.525_533dup on transcript NM_014974.3 (MANE Select); coding-DNA positions 525 to 533, 9 bases duplicated (CACCTCCTC; older notation c.525_533dupCACCTCCTC).
Protein change: p.Ser178_Ser179insThrSerSer.
Molecular consequence: inframe insertion.
Genome position (GRCh38, 1-based): chr10:422,895-422,903, GAGGAGGTG duplicated on the plus strand (CACCTCCTC on the coding strand, the reverse complement: DIP2C is on the minus strand); duplicating any 9 consecutive bases within chr10:422,895-422,904 gives the same sequence; the c. name uses the placement nearest the transcript's 3' end. VCF-style (leftmost placement, unchanged base first): chr10-422894-C-CGAGGAGGTG. GRCh37 (hg19) VCF-style: chr10-468834-C-CGAGGAGGTG.
Identifiers: ClinVar variation 3342765 (VCV003342765.1).

ClinVar aggregate classification (germline): Uncertain significance (1 of 4 stars; one submission).

Submission:

GeneDx
Classification: Uncertain significance. Last evaluated: 2022-12-19. Review status: criteria provided, single submitter. Criteria: GeneDx Variant Classification Process June 2021. Collection method: clinical testing. Allele origin: germline. Affected: yes.
Comment: Has not been previously published as pathogenic or benign to our knowledge; In-frame insertion of three amino acids in a non-repeat region; Not observed at significant frequency in large population cohorts (gnomAD); Variants in candidate genes are classified as variants of uncertain significance in accordance with ACMG guidelines (Richards et al., 2015)